The following is an entry in ClinVar:

ClinVar aggregate classification (germline): Pathogenic (1 of 4 stars; one submission).

Conditions:
Combined immunodeficiency due to LRBA deficiency. Also called: Common variable immunodeficiency 8, with autoimmunity. Identifiers: Orphanet 445018, MedGen C3553512, MONDO:0013863, OMIM 614700.

gnomAD v4.1: 2 of 1,613,838 alleles (0.00012%); highest among the groups gnomAD compares: Non-Finnish European, 0.00017%; no homozygotes.

Submission:

Labcorp Genetics (formerly Invitae), Labcorp
Classification: Pathogenic for Combined immunodeficiency due to LRBA deficiency. Last evaluated: 2022-09-10. Review status: criteria provided, single submitter. Criteria: Invitae Variant Classification Sherloc (09022015). Collection method: clinical testing. Allele origin: germline.
Comment: This sequence change creates a premature translational stop signal (p.Tyr875*) in the LRBA gene. It is expected to result in an absent or disrupted protein product. Loss-of-function variants in LRBA are known to be pathogenic (PMID: 26206937, 26768763). This variant is not present in population databases (gnomAD no frequency). This variant has not been reported in the literature in individuals affected with LRBA-related conditions. For these reasons, this variant has been classified as Pathogenic.

Literature cited by the submitters: PubMed 26206937; PubMed 26768763.

NM_001364905.1(LRBA):c.2625T>A (p.Tyr875Ter)

Gene: LRBA (LPS responsive beige-like anchor protein; minus strand). Cytogenetic location: 4q31.3.
Variant type: single nucleotide variant.
Coding change: c.2625T>A on transcript NM_001364905.1 (MANE Select); coding-DNA position 2625, T replaced by A.
Protein change: p.Tyr875Ter; replaces tyrosine 875 with a stop codon.
Molecular consequence: nonsense.
Genome position (GRCh38, 1-based): chr4:150,867,812, A>T on the plus strand (T>A on the coding strand, the complement: LRBA is on the minus strand). VCF-style: chr4-150867812-A-T. GRCh37 (hg19) VCF-style: chr4-151788964-A-T.
Other names: c.2625T>A, p.Tyr875Ter (NM_001199282.3, NM_001367550.1, NM_006726.5); short protein forms Y875*.
Identifiers: ClinVar variation 2109244 (VCV002109244.4), dbSNP rs1579044835, ClinGen allele CA358464753.
Genomic context (GRCh38, chr4:150,867,812, plus strand): 5'-TCTGAATATGGCGTATACCATTTCTGTTATCTTTTGCTCATCTGAATTCTTAGGATTAAA[A>T]TAGCAGAGAGAAAGCATCCATTCTTGCCACACAGAGCATTGTAGCAAGCTCCTGAAAATT-3'